The following is an entry in ClinVar:

ClinVar aggregate classification (germline): Conflicting classifications of pathogenicity. Review status: criteria provided, conflicting classifications (1 of 4 stars). 4 submissions from 4 submitters: Likely pathogenic (1); Uncertain significance (3). Last evaluated 2024-09-12.

Conditions:
Jeune thoracic dystrophy. Also called: Jeune syndrome; Infantile thoracic dystrophy; Thoracic pelvic phalangeal dystrophy; Jeune's syndrome; Chondroectodermal dysplasia-like syndrome; Short-rib thoracic dysplasia. Identifiers: Orphanet 474, MedGen C0265275, MONDO:0018770.
Asphyxiating thoracic dystrophy 2 (SRTD2). Also called: SHORT-RIB THORACIC DYSPLASIA 2 WITH POLYDACTYLY; SHORT-RIB THORACIC DYSPLASIA 2 WITHOUT POLYDACTYLY; SHORT-RIB THORACIC DYSPLASIA 2 WITH OR WITHOUT POLYDACTYLY. Identifiers: Orphanet 474, MedGen C1970005, MONDO:0012644, OMIM 611263.

Allele frequency attached by ClinVar (database versions not stated): gnomAD 0.00001; TOPMed 0.00003; ESP Exome Variant Server 0.00008.
gnomAD v4.1: 31 of 1,612,680 alleles (0.0019%); highest among the groups gnomAD compares: African/African-American, 0.004%; no homozygotes.

Submissions (4):

Blueprint Genetics
Classification: Uncertain significance. Last evaluated: 2024-09-12. Review status: criteria provided, single submitter. Criteria: ACMG Guidelines, 2015. Collection method: clinical testing. Allele origin: germline.

Fulgent Genetics
Classification: Uncertain significance for Asphyxiating thoracic dystrophy 2. Last evaluated: 2024-02-27. Review status: criteria provided, single submitter. Criteria: ACMG Guidelines, 2015. Collection method: clinical testing. Allele origin: germline.

Labcorp Genetics (formerly Invitae), Labcorp
Classification: Uncertain significance for Jeune thoracic dystrophy. Last evaluated: 2022-05-27. Review status: criteria provided, single submitter. Criteria: Invitae Variant Classification Sherloc (09022015). Collection method: clinical testing. Allele origin: germline.
Comment: This sequence change creates a premature translational stop signal (p.Arg734*) in the IFT80 gene. While this is not anticipated to result in nonsense mediated decay, it is expected to disrupt the last 44 amino acid(s) of the IFT80 protein. This variant is present in population databases (rs375941259, gnomAD 0.006%). This variant has not been reported in the literature in individuals affected with IFT80-related conditions. ClinVar contains an entry for this variant (Variation ID: 439813). Experimental studies and prediction algorithms are not available or were not evaluated, and the functional significance of this variant is currently unknown. In summary, the available evidence is currently insufficient to determine the role of this variant in disease. Therefore, it has been classified as a Variant of Uncertain Significance.

ARUP Laboratories, Molecular Genetics and Genomics, ARUP Laboratories
Classification: Likely pathogenic. Last evaluated: 2017-01-23. Review status: criteria provided, single submitter. Criteria: ARUP Molecular Germline Variant Investigation Process. Collection method: clinical testing. Allele origin: germline.

NM_020800.3(IFT80):c.2200C>T (p.Arg734Ter)

Genes: IFT80 (intraflagellar transport 80; minus strand), TRIM59-IFT80 (TRIM59-IFT80 readthrough (NMD candidate); minus strand). Cytogenetic location: 3q25.33.
Variant type: single nucleotide variant.
Coding change: c.2200C>T on transcript NM_020800.3 (MANE Select); coding-DNA position 2200, C replaced by T.
Protein change: p.Arg734Ter; replaces arginine 734 with a stop codon.
Molecular consequence: nonsense. On other transcripts: non-coding transcript variant (3).
Genome position (GRCh38, 1-based): chr3:160,268,436, G>A on the plus strand (C>T on the coding strand, the complement: IFT80 is on the minus strand). VCF-style: chr3-160268436-G-A. GRCh37 (hg19) VCF-style: chr3-159986224-G-A.
Other names: c.1789C>T, p.Arg597Ter (NM_001190241.2, NM_001190242.2); short protein forms R734*, R597*.
Identifiers: ClinVar variation 439813 (VCV000439813.15), dbSNP rs375941259, ClinGen allele CA2684946.